The following is an entry in ClinVar:

NM_014141.6(CNTNAP2):c.3305T>C (p.Val1102Ala)

Gene: CNTNAP2 (contactin associated protein 2; plus strand). Cytogenetic location: 7q36.1.
Variant type: single nucleotide variant.
Coding change: c.3305T>C on transcript NM_014141.6 (MANE Select); coding-DNA position 3305, T replaced by C.
Protein change: p.Val1102Ala; replaces valine 1102 with alanine.
Molecular consequence: missense variant.
Genome position (GRCh38, 1-based): chr7:148,229,703, T>C. VCF-style: chr7-148229703-T-C. GRCh37 (hg19) VCF-style: chr7-147926795-T-C.
Other names: p.V1102A:GTA>GCA; short protein forms V1102A.
Identifiers: ClinVar variation 205221 (VCV000205221.50), dbSNP rs111599875, ClinGen allele CA314080.

ClinVar aggregate classification (germline): Likely benign. Review status: criteria provided, multiple submitters, no conflicts (2 of 4 stars). 7 submissions from 7 submitters: Likely benign (7). Last evaluated 2026-02-03.

Conditions:
Inborn genetic diseases. Identifiers: MedGen C0950123, MeSH D030342.
Cortical dysplasia-focal epilepsy syndrome (PTHSL1). Also called: Pitt-Hopkins-like syndrome 1. Identifiers: Orphanet 163681, Orphanet 221150, MedGen C2750246, MONDO:0012400, OMIM 610042.

Allele frequency attached by ClinVar (database versions not stated): gnomAD exomes 0.00021 and 0.00057; ExAC 0.00065; TOPMed 0.00220; gnomAD 0.00222 and 0.00235; ESP Exome Variant Server 0.00246; 1000 Genomes Project 0.00280; 1000 Genomes Project 30x 0.00359.
gnomAD v4.1: 648 of 1,614,116 alleles (0.04%); highest among the groups gnomAD compares: African/African-American, 0.79%; 5 homozygotes.

Submissions (7):

Labcorp Genetics (formerly Invitae), Labcorp
Classification: Likely benign for Cortical dysplasia-focal epilepsy syndrome. Last evaluated: 2026-02-03. Review status: criteria provided, single submitter. Criteria: Invitae Variant Classification Sherloc (09022015). Collection method: clinical testing. Allele origin: germline.

CeGaT Center for Human Genetics Tuebingen
Classification: Likely benign. Last evaluated: 2023-05-01. Review status: criteria provided, single submitter. Criteria: CeGaT Center For Human Genetics Tuebingen Variant Classification Criteria Version 2. Collection method: clinical testing. Allele origin: germline. Affected: yes. Observed: 1 variant allele.
Comment: CNTNAP2: BP4, BS2

Ambry Genetics
Classification: Likely benign for Inborn genetic diseases. Last evaluated: 2019-01-07. Review status: criteria provided, single submitter. Criteria: Ambry Variant Classification Scheme 2023. Collection method: clinical testing. Allele origin: germline.

GeneDx
Classification: Likely benign. Last evaluated: 2017-11-30. Review status: criteria provided, single submitter. Criteria: GeneDx Variant Classification (06012015). Collection method: clinical testing. Allele origin: germline. Affected: yes.
Comment: This variant is considered likely benign or benign based on one or more of the following criteria: it is a conservative change, it occurs at a poorly conserved position in the protein, it is predicted to be benign by multiple in silico algorithms, and/or has population frequency not consistent with disease.

Genetic Services Laboratory, University of Chicago
Classification: Likely benign. Last evaluated: 2015-10-20. Review status: criteria provided, single submitter. Criteria: ACMG Guidelines, 2015. Collection method: clinical testing. Allele origin: germline. Affected: no.

Eurofins Ntd Llc (ga)
Classification: Likely benign. Last evaluated: 2015-07-30. Review status: criteria provided, single submitter. Criteria: EGL Classification Definitions 2015. Collection method: clinical testing. Allele origin: germline. Observed: 1 variant allele, 1 heterozygote.

Breakthrough Genomics
Classification: Likely benign. Review status: criteria provided, single submitter. Criteria: ACMG Guidelines, 2015. Collection method: not provided. Allele origin: germline. Inheritance: Autosomal recessive inheritance. Affected: yes.

Literature cited by the submitters: PubMed 18179895 (cited by Ambry Genetics).